The following is an entry in ClinVar:

NM_133433.4(NIPBL):c.4560+1G>C

Gene: NIPBL (NIPBL cohesin loading factor; plus strand). Cytogenetic location: 5p13.2.
Variant type: single nucleotide variant.
Coding change: c.4560+1G>C on transcript NM_133433.4 (MANE Select); the canonical splice donor site of the intron after coding-DNA position 4560, G replaced by C.
Molecular consequence: splice donor variant.
Genome position (GRCh38, 1-based): chr5:37,010,226, G>C. VCF-style: chr5-37010226-G-C. GRCh37 (hg19) VCF-style: chr5-37010328-G-C.
Other names: c.4560+1G>C (NM_015384.5).
Identifiers: ClinVar variation 1490348 (VCV001490348.8), dbSNP rs2149681631, ClinGen allele CA359528221.

ClinVar aggregate classification (germline): Likely pathogenic (1 of 4 stars; one submission).

Conditions:
Cornelia de Lange syndrome 1 (CDLS1). Also called: Brachmann de Lange syndrome; TYPUS DEGENERATIVUS AMSTELODAMENSIS; NIPBL-Related Cornelia de Lange Syndrome. Identifiers: Orphanet 199, MedGen C4551851, MONDO:0007387, OMIM 122470.

Submission:

Labcorp Genetics (formerly Invitae), Labcorp
Classification: Likely pathogenic for Cornelia de Lange syndrome 1. Last evaluated: 2025-01-13. Review status: criteria provided, single submitter. Criteria: Invitae Variant Classification Sherloc (09022015). Collection method: clinical testing. Allele origin: germline.
Comment: This sequence change affects a donor splice site in intron 21 of the NIPBL gene. It is expected to disrupt RNA splicing. Variants that disrupt the donor or acceptor splice site typically lead to a loss of protein function (PMID: 16199547), and loss-of-function variants in NIPBL are known to be pathogenic (PMID: 15318302, 19763162, 23505322, 29995837). This variant is not present in population databases (gnomAD no frequency). Disruption of this splice site has been observed in individual(s) with clinical features of Cornelia de Lange syndrome (internal data). ClinVar contains an entry for this variant (Variation ID: 1490348). Algorithms developed to predict the effect of sequence changes on RNA splicing suggest that this variant may disrupt the consensus splice site. In summary, the currently available evidence indicates that the variant is pathogenic, but additional data are needed to prove that conclusively. Therefore, this variant has been classified as Likely Pathogenic.

Literature cited by the submitters: PubMed 16199547; PubMed 15318302; PubMed 19763162; PubMed 23505322; PubMed 29995837.